The following is an entry in ClinVar:

ClinVar aggregate classification (germline): Uncertain significance. Review status: criteria provided, multiple submitters, no conflicts (2 of 4 stars). 2 submissions from 2 submitters: Uncertain significance (2). Last evaluated 2025-02-01.

Conditions:
Early-infantile DEE. Also called: Early infantile epileptic encephalopathy with suppression bursts; Early infantile epileptic encephalopathy; Ohtahara syndrome. Identifiers: Orphanet 1934, MedGen C0393706, MONDO:0800491.

Submissions (2):

CeGaT Center for Human Genetics Tuebingen
Classification: Uncertain significance. Last evaluated: 2025-02-01. Review status: criteria provided, single submitter. Criteria: CeGaT Center For Human Genetics Tuebingen Variant Classification Criteria Version 2. Collection method: clinical testing. Allele origin: germline. Affected: yes. Observed: 1 variant allele.
Comment: KCNQ2: PM2:Supporting

Labcorp Genetics (formerly Invitae), Labcorp
Classification: Uncertain significance for Early-infantile DEE. Last evaluated: 2023-07-16. Review status: criteria provided, single submitter. Criteria: Invitae Variant Classification Sherloc (09022015). Collection method: clinical testing. Allele origin: germline.
Comment: In summary, the available evidence is currently insufficient to determine the role of this variant in disease. Therefore, it has been classified as a Variant of Uncertain Significance. Algorithms developed to predict the effect of sequence changes on RNA splicing suggest that this variant may create or strengthen a splice site. This variant has not been reported in the literature in individuals affected with KCNQ2-related conditions. This variant is not present in population databases (gnomAD no frequency). This sequence change affects codon 75 of the KCNQ2 mRNA. It is a 'silent' change, meaning that it does not change the encoded amino acid sequence of the KCNQ2 protein.

NM_172107.4(KCNQ2):c.225C>T (p.Arg75=)

Gene: KCNQ2 (potassium voltage-gated channel subfamily Q member 2; minus strand). Cytogenetic location: 20q13.33.
Variant type: single nucleotide variant.
Coding change: c.225C>T on transcript NM_172107.4 (MANE Select); coding-DNA position 225, C replaced by T.
Protein change: p.Arg75=; no amino-acid change (arginine 75 retained).
Molecular consequence: synonymous variant.
Genome position (GRCh38, 1-based): chr20:63,472,239, G>A on the plus strand (C>T on the coding strand, the complement: KCNQ2 is on the minus strand). VCF-style: chr20-63472239-G-A. GRCh37 (hg19) VCF-style: chr20-62103592-G-A.
Other names: c.225C>T, p.Arg75= (NM_001382235.1, NM_004518.6, NM_172106.3 and 2 more transcripts).
Identifiers: ClinVar variation 2857935 (VCV002857935.16), dbSNP rs2082234438, ClinGen allele CA511339801.
Genomic context (GRCh38, chr20:63,472,239, plus strand): 5'-GTAGATGAACGCCCAGCCGCGCGGCCGCTCCAGCACGTTGTAGAGGAAATTCTGCAGCTT[G>A]CGGTAGAAGGCGTTGCGCTTGGGGGGCTTCCCGGCGCCCGCGCCGCCCGCGCGAGGTTTG-3'
Protein context (NP_742105.1, residues 65-85): GKPPKRNAFY[Arg75=]KLQNFLYNVL